The following is an entry in ClinVar:

ClinVar aggregate classification (germline): Likely benign. Review status: criteria provided, multiple submitters, no conflicts (2 of 4 stars). 2 submissions from 2 submitters: Likely benign (2). Last evaluated 2025-09-03.

Submissions (2):

Women's Health and Genetics/Laboratory Corporation of America, LabCorp
Classification: Likely benign. Last evaluated: 2025-09-03. Review status: criteria provided, single submitter. Criteria: LabCorp Variant Classification Summary - May 2015. Collection method: clinical testing. Allele origin: germline.
Comment: Variant summary: FRAS1 c.76+24_76+41del18 is located at a position not widely known to affect splicing. Consensus agreement among computation tools predict no significant impact on normal splicing. However, these predictions have yet to be confirmed by functional studies. The variant was absent in 241170 control chromosomes (gnomAD). The available data on variant occurrences in the general population are insufficient to allow any conclusion about variant significance. To our knowledge, no occurrence of c.76+24_76+41del18 in individuals affected with FRAS1-related conditions and no experimental evidence demonstrating its impact on protein function have been reported. ClinVar contains an entry for this variant (Variation ID: 2781031). Based on the evidence outlined above, the variant was classified as likely benign.

Labcorp Genetics (formerly Invitae), Labcorp
Classification: Likely benign. Last evaluated: 2023-12-01. Review status: criteria provided, single submitter. Criteria: Invitae Variant Classification Sherloc (09022015). Collection method: clinical testing. Allele origin: germline.

NM_025074.7(FRAS1):c.76+24_76+41del

Gene: FRAS1 (Fraser extracellular matrix complex subunit 1; plus strand). Cytogenetic location: 4q21.21.
Variant type: Deletion.
Coding change: c.76+24_76+41del on transcript NM_025074.7 (MANE Select); bases 24 to 41 of the intron after coding-DNA position 76, 18 bases deleted (TGTGTGTGTGTGCGTGTG).
Molecular consequence: intron variant.
Genome position (GRCh38, 1-based): chr4:78,058,109-78,058,126, TGTGTGTGTGTGCGTGTG deleted; deleting any 18 consecutive bases within chr4:78,058,102-78,058,126 gives the same sequence; the c. name uses the placement nearest the transcript's 3' end. VCF-style (leftmost placement, unchanged base first): chr4-78058101-CGCGTGTGTGTGTGTGTGT-C. GRCh37 (hg19) VCF-style: chr4-78979255-CGCGTGTGTGTGTGTGTGT-C.
Other names: c.76+24_76+41del (NM_001166133.2); c.76+24_76+41del18 (NM_025074.7).
Identifiers: ClinVar variation 2781031 (VCV002781031.4), dbSNP rs775418796, ClinGen allele CA100342183.
Genomic context (GRCh38, chr4:78,058,101, plus strand): 5'-CCCTAGCGTTGGCGGAATTTGCAGTATTGCCTCATCATTCCGAAGGTGAGAGAGCGGTGC[CGCGTGTGTGTGTGTGTGT>C]GCGTGTGCGTGTGTGTGTGTATGTGTGAGTGATCGTGCAGTTTAAAAATCTCAGCAGGTT-3'